The following is an entry in ClinVar:

NM_012188.5(FOXI1):c.1132G>C (p.Val378Leu)

Gene: FOXI1 (forkhead box I1; plus strand). Cytogenetic location: 5q35.1.
Variant type: single nucleotide variant.
Coding change: c.1132G>C on transcript NM_012188.5 (MANE Select); coding-DNA position 1132, G replaced by C.
Protein change: p.Val378Leu; replaces valine 378 with leucine.
Molecular consequence: missense variant.
Genome position (GRCh38, 1-based): chr5:170,108,606, G>C. VCF-style: chr5-170108606-G-C. GRCh37 (hg19) VCF-style: chr5-169535610-G-C.
Other names: c.847G>C, p.Val283Leu (NM_144769.4); short protein forms V283L, V378L.
Identifiers: ClinVar variation 1978339 (VCV001978339.5), dbSNP rs147580330, ClinGen allele CA3555179.
Genomic context (GRCh38, chr5:170,108,606, plus strand): 5'-CCTCACTTCTACAACAGTGTCAACACCAGTGGTGTCCTCTACCCCAGGGAGGGCACCGAG[G>C]TCTAGGTACAGAACAGCTCCTGAGCCAGGTGGACATGCCAGAGAGAAAAGCAGTAGAGGT-3'
Protein context (NP_036320.2, residues 368-378): GVLYPREGTE[Val378Leu]

ClinVar aggregate classification (germline): Uncertain significance. Review status: criteria provided, multiple submitters, no conflicts (2 of 4 stars). 2 submissions from 2 submitters: Uncertain significance (2). Last evaluated 2024-04-24.

Conditions:
Autosomal recessive nonsyndromic hearing loss 4 (DFNB4). Also called: Nonsyndromic enlarged vestibular aqueduct (NSEVA); FOXI1-Related Pendred Syndrome; KCNJ10-Related Pendred Syndrome; NEUROSENSORY NONSYNDROMIC RECESSIVE DEAFNESS 4; Deafness, autosomal recessive 4, with enlarged vestibular aqueduct; Enlarged vestibular aqueduct, digenic. Identifiers: Orphanet 90636, MedGen C3538946, MONDO:0010933, OMIM 600791.

Allele frequency attached by ClinVar (database versions not stated): ExAC 0.00001; TOPMed 0.00002; gnomAD 0.00003; ESP Exome Variant Server 0.00008.
gnomAD v4.1: 6 of 1,612,218 alleles (0.00037%); highest among the groups gnomAD compares: African/African-American, 0.008%; no homozygotes.

Submissions (2):

Fulgent Genetics
Classification: Uncertain significance for Autosomal recessive nonsyndromic hearing loss 4. Last evaluated: 2024-04-24. Review status: criteria provided, single submitter. Criteria: ACMG Guidelines, 2015. Collection method: clinical testing. Allele origin: germline.

Labcorp Genetics (formerly Invitae), Labcorp
Classification: Uncertain significance. Last evaluated: 2023-12-06. Review status: criteria provided, single submitter. Criteria: Invitae Variant Classification Sherloc (09022015). Collection method: clinical testing. Allele origin: germline.
Comment: This sequence change replaces valine, which is neutral and non-polar, with leucine, which is neutral and non-polar, at codon 378 of the FOXI1 protein (p.Val378Leu). This variant is present in population databases (rs147580330, gnomAD 0.02%). This variant has not been reported in the literature in individuals affected with FOXI1-related conditions. ClinVar contains an entry for this variant (Variation ID: 1978339). An algorithm developed to predict the effect of missense changes on protein structure and function (PolyPhen-2) suggests that this variant is likely to be disruptive. In summary, the available evidence is currently insufficient to determine the role of this variant in disease. Therefore, it has been classified as a Variant of Uncertain Significance.